The following is an entry in ClinVar:

NM_002617.4(PEX10):c.475del (p.Ala159fs)

Gene: PEX10 (peroxisomal biogenesis factor 10; minus strand). Cytogenetic location: 1p36.32.
Variant type: Deletion.
Coding change: c.475del on transcript NM_002617.4 (MANE Select); coding-DNA position 475, one base deleted (G; older notation c.475delG).
Protein change: p.Ala159fs; shifts the reading frame from alanine 159.
Molecular consequence: frameshift variant. On other transcripts: non-coding transcript variant (1).
Genome position (GRCh38, 1-based): chr1:2,408,577, C deleted on the plus strand (G on the coding strand, the reverse complement: PEX10 is on the minus strand); the first of 3 consecutive C bases (chr1:2,408,577-2,408,579); deleting any one gives the same sequence. VCF-style (leftmost placement, unchanged base first): chr1-2408576-GC-G. GRCh37 (hg19) VCF-style: chr1-2340015-GC-G.
Other names: c.475del, p.Ala159fs (NM_001374425.1, NM_153818.2); c.43del, p.Ala15fs (NM_001374426.1, NM_001374427.1); short protein forms A15fs, A159fs.
Identifiers: ClinVar variation 1440916 (VCV001440916.6), dbSNP rs2100428583, ClinGen allele CA2573131882.
Genomic context (GRCh38, chr1:2,408,576, plus strand): 5'-ACATGTAGCCGCTGGAGGCAGGCGAGGCCCTGTCTGAGGACGAAGACCGCCCGCAGCAGC[GC>G]CCTCCTCTGCTGCTCAGTCAGGGTGGCCGTGTGGTGACGCATCCAGCGCCGCGCCCCTGA-3'

ClinVar aggregate classification (germline): Pathogenic (1 of 4 stars; one submission).

Conditions:
Peroxisome biogenesis disorder, complementation group 7 (CG7). Also called: Peroxisome biogenesis disorder, complementation group B. Identifiers: MedGen C1864399.

Submission:

Labcorp Genetics (formerly Invitae), Labcorp
Classification: Pathogenic for Peroxisome biogenesis disorder, complementation group 7. Last evaluated: 2021-08-30. Review status: criteria provided, single submitter. Criteria: Invitae Variant Classification Sherloc (09022015). Collection method: clinical testing. Allele origin: germline.
Comment: This sequence change creates a premature translational stop signal (p.Ala159Argfs*45) in the PEX10 gene. It is expected to result in an absent or disrupted protein product. Loss-of-function variants in PEX10 are known to be pathogenic (PMID: 9683594, 10862081, 21031596). This variant is not present in population databases (ExAC no frequency). This variant has not been reported in the literature in individuals affected with PEX10-related conditions. For these reasons, this variant has been classified as Pathogenic.

Literature cited by the submitters: PubMed 9683594; PubMed 10862081; PubMed 21031596.